The following is an entry in ClinVar:

ClinVar aggregate classification (germline): Conflicting classifications of pathogenicity. Review status: criteria provided, conflicting classifications (1 of 4 stars). 5 submissions from 5 submitters: Uncertain significance (4); Likely benign (1). Last evaluated 2025-03-21.

Conditions:
Cardiovascular phenotype. Identifiers: MedGen CN230736.
Long QT syndrome (LQTS). Identifiers: MedGen C0023976, MeSH D008133, MONDO:0002442. Disease mechanism: loss of function. Inheritance: Various modes of inheritance.
Cardiac arrhythmia, ankyrin-B-related. Also called: ANKYRIN-B SYNDROME. Identifiers: Orphanet 101016, Orphanet 768, MedGen C1970119, MONDO:0010958, OMIM 600919.

Allele frequency attached by ClinVar (database versions not stated): ExAC 0.00002; TOPMed 0.00002; gnomAD 0.00003 and 0.00004; gnomAD exomes 0.00006.
gnomAD v4.1: 39 of 1,614,048 alleles (0.0024%); highest among the groups gnomAD compares: Admixed American, 0.023%; no homozygotes.

Submissions (5):

Labcorp Genetics (formerly Invitae), Labcorp
Classification: Uncertain significance for Long QT syndrome. Last evaluated: 2025-03-21. Review status: criteria provided, single submitter. Criteria: Invitae Variant Classification Sherloc (09022015). Collection method: clinical testing. Allele origin: germline.
Comment: This sequence change replaces isoleucine, which is neutral and non-polar, with methionine, which is neutral and non-polar, at codon 3501 of the ANK2 protein (p.Ile3501Met). This variant is present in population databases (rs370472530, gnomAD 0.03%). This variant has not been reported in the literature in individuals affected with ANK2-related conditions. ClinVar contains an entry for this variant (Variation ID: 526955). An algorithm developed to predict the effect of missense changes on protein structure and function (PolyPhen-2) suggests that this variant is likely to be tolerated. In summary, the available evidence is currently insufficient to determine the role of this variant in disease. Therefore, it has been classified as a Variant of Uncertain Significance.

Ambry Genetics
Classification: Likely benign for Cardiovascular phenotype. Last evaluated: 2025-02-08. Review status: criteria provided, single submitter. Criteria: Ambry Variant Classification Scheme 2023. Collection method: clinical testing. Allele origin: germline.

GeneDx
Classification: Uncertain significance. Last evaluated: 2022-11-15. Review status: criteria provided, single submitter. Criteria: GeneDx Variant Classification Process June 2021. Collection method: clinical testing. Allele origin: germline. Affected: yes.
Comment: In silico analysis supports that this missense variant does not alter protein structure/function; Has not been previously published as pathogenic or benign to our knowledge; Located in exon 38, which is reported as being expressed in a brain-specific transcript (Otto et al, 1991; Cunha et al, 2008; Wu et al, 2015); This variant is associated with the following publications: (PMID: 1830053, 18790697, 26109584)

Fulgent Genetics
Classification: Uncertain significance for Cardiac arrhythmia, ankyrin-B-related. Last evaluated: 2021-07-05. Review status: criteria provided, single submitter. Criteria: ACMG Guidelines, 2015. Collection method: clinical testing. Allele origin: unknown.

Breakthrough Genomics
Classification: Uncertain significance. Review status: criteria provided, single submitter. Criteria: ACMG Guidelines, 2015. Collection method: not provided. Allele origin: germline. Inheritance: Autosomal dominant inheritance. Affected: yes.

NM_001148.6(ANK2):c.10503A>G (p.Ile3501Met)

Gene: ANK2 (ankyrin 2; plus strand). Cytogenetic location: 4q26.
Variant type: single nucleotide variant.
Coding change: c.10503A>G on transcript NM_001148.6 (MANE Select); coding-DNA position 10503, A replaced by G.
Protein change: p.Ile3501Met; replaces isoleucine 3501 with methionine.
Molecular consequence: missense variant. On other transcripts: intron variant (68).
Genome position (GRCh38, 1-based): chr4:113,359,121, A>G. VCF-style: chr4-113359121-A-G. GRCh37 (hg19) VCF-style: chr4-114280277-A-G.
Other names: c.10269A>G, p.Ile3423Met (NM_001386142.1); c.6903A>G, p.Ile2301Met (NM_001386166.1); c.10644A>G, p.Ile3548Met (NM_001386174.1); c.10620A>G, p.Ile3540Met (NM_001386175.1); c.4412-1702A>G (NM_001386186.2, NM_001386148.2); c.4214-1702A>G (NM_001354269.3); c.4292-1702A>G (NM_001386187.2); c.4253-1702A>G (NM_001386147.1); and 35 more; short protein forms I3501M, I2301M, I3423M, I3540M, I3548M.
Identifiers: ClinVar variation 526955 (VCV000526955.11), dbSNP rs370472530, ClinGen allele CA3052077.